The following is an entry in ClinVar:

NM_172107.4(KCNQ2):c.314_316del (p.Ser105del)

Gene: KCNQ2 (potassium voltage-gated channel subfamily Q member 2; minus strand). Cytogenetic location: 20q13.33.
Variant type: Deletion.
Coding change: c.314_316del on transcript NM_172107.4 (MANE Select); coding-DNA positions 314 to 316, 3 bases deleted (CCT; older notation c.314_316delCCT).
Protein change: p.Ser105del; deletes serine 105.
Molecular consequence: inframe deletion.
Genome position (GRCh38, 1-based): chr20:63,446,818-63,446,820, AGG deleted on the plus strand (CCT on the coding strand, the reverse complement: KCNQ2 is on the minus strand); deleting any 3 consecutive bases within chr20:63,446,818-63,446,822 gives the same sequence; the c. name uses the placement nearest the transcript's 3' end. VCF-style (leftmost placement, unchanged base first): chr20-63446817-CAGG-C. GRCh37 (hg19) VCF-style: chr20-62078170-CAGG-C.
Other names: c.314_316del, p.Ser105del (NM_004518.6, NM_172106.3, NM_172108.5 and 1 more transcripts); short protein forms S105del.
Identifiers: ClinVar variation 21784 (VCV000021784.3), dbSNP rs118192191, ClinGen allele CA342502.

ClinVar aggregate classification (germline): not provided (0 of 4 stars; one submission).

Conditions:
Seizures, benign familial neonatal, 1. Also called: Seizures, benign neonatal, 1; KCNQ2-Related Self-Limited Familial Neonatal Epilepsy (SLFNE); KCNQ2-Related Benign Familial Neonatal Epilepsy; Benign Neonatal Epilepsy 1. Identifiers: Orphanet 1949, MedGen C3149074, MONDO:0007365, OMIM 121200.

Submission:

GeneReviews
No classification provided. Condition: Seizures, benign familial neonatal, 1. Review status: no classification provided. Collection method: literature only. Allele origin: germline. Affected: yes.
Comment: BFNE (benign familial neonatal epilepsy)

Literature cited by the submitters: PubMed 15596769; NCBI Bookshelf NBK32534.